The following is an entry in ClinVar:

ClinVar aggregate classification (germline): Uncertain significance (1 of 4 stars; one submission).

Conditions:
Glycogen storage disease due to lactate dehydrogenase M-subunit deficiency (GSD11). Also called: Glycogen storage disease XI; GSD XI; LACTATE DEHYDROGENASE A DEFICIENCY. Identifiers: Orphanet 284426, MedGen C2931743, MONDO:0013047, OMIM 612933.

Submission:

Labcorp Genetics (formerly Invitae), Labcorp
Classification: Uncertain significance for Glycogen storage disease due to lactate dehydrogenase M-subunit deficiency. Last evaluated: 2022-03-01. Review status: criteria provided, single submitter. Criteria: Invitae Variant Classification Sherloc (09022015). Collection method: clinical testing. Allele origin: germline.
Comment: In summary, the available evidence is currently insufficient to determine the role of this variant in disease. Therefore, it has been classified as a Variant of Uncertain Significance. Experimental studies and prediction algorithms are not available or were not evaluated, and the functional significance of this variant is currently unknown. This variant has been observed in individual(s) with lactate dehydrogenase A deficiency (PMID: 8081370). This variant is not present in population databases (gnomAD no frequency). This variant, c.372_374del, results in the deletion of 1 amino acid(s) of the LDHA protein (p.Val125del), but otherwise preserves the integrity of the reading frame.

Literature cited by the submitters: PubMed 8081370.

NM_005566.4(LDHA):c.369TGT[1] (p.Val125del)

Gene: LDHA (lactate dehydrogenase A; plus strand). Cytogenetic location: 11p15.1.
Variant type: Microsatellite.
Coding change: c.369TGT[1] on transcript NM_005566.4 (MANE Select); one copy of the 3-base unit TGT starting at c.369; the reference has two copies in a row; one copy, 3 bases deleted.
Protein change: p.Val125del; deletes valine 125.
Molecular consequence: inframe deletion. On other transcripts: non-coding transcript variant (1), intron variant (1).
Genome position (GRCh38, 1-based): chr11:18,400,964-18,400,966, TGT deleted; deleting any 3 consecutive bases within chr11:18,400,961-18,400,966 gives the same sequence; the position shown is the placement nearest the transcript's 3' end. VCF-style (leftmost placement, unchanged base first): chr11-18400960-ATGT-A. GRCh37 (hg19) VCF-style: chr11-18422507-ATGT-A.
Other names: c.456TGT[1], p.Val154del (NM_001165414.2); c.369TGT[1], p.Val125del (NM_001165415.2, NM_001165416.2); c.244+1416_244+1418del (NM_001135239.2); short protein forms V125del, V154del.
Identifiers: ClinVar variation 2137027 (VCV002137027.4), dbSNP rs1222856097, ClinGen allele CA674334066.